The following is an entry in ClinVar:

ClinVar aggregate classification (germline): Pathogenic. Review status: criteria provided, multiple submitters, no conflicts (2 of 4 stars). 3 submissions from 3 submitters: Pathogenic (3). Last evaluated 2024-04-16.

Conditions:
Bothnia retinal dystrophy. Also called: VASTERBOTTEN DYSTROPHY. Identifiers: Orphanet 85128, MedGen C1843816, MONDO:0011838, OMIM 607475.
Newfoundland cone-rod dystrophy. Identifiers: MedGen C1843815, MONDO:0011839, OMIM 607476.
Pigmentary retinal dystrophy. Also called: Fundus albipunctatus. Identifiers: Orphanet 227796, Orphanet 52427, MedGen C0311338, MONDO:0007639, OMIM 136880, HP:0030642.
RLBP1-related disorder. Also called: RLBP1-related condition; RLBP1-related disorders. Identifiers: MedGen CN239413.

Allele frequency attached by ClinVar (database versions not stated): ExAC 0.00001; gnomAD 0.00002; gnomAD exomes 0.00002.

Submissions (3):

Fulgent Genetics
Classification: Pathogenic for Pigmentary retinal dystrophy; Bothnia retinal dystrophy; Newfoundland cone-rod dystrophy. Last evaluated: 2024-04-16. Review status: criteria provided, single submitter. Criteria: ACMG Guidelines, 2015. Collection method: clinical testing. Allele origin: germline.

Labcorp Genetics (formerly Invitae), Labcorp
Classification: Pathogenic. Last evaluated: 2023-11-22. Review status: criteria provided, single submitter. Criteria: Invitae Variant Classification Sherloc (09022015). Collection method: clinical testing. Allele origin: germline.
Comment: This sequence change creates a premature translational stop signal (p.Arg156*) in the RLBP1 gene. It is expected to result in an absent or disrupted protein product. Loss-of-function variants in RLBP1 are known to be pathogenic (PMID: 2392416, 11301032, 21447491, 25429852). This variant is present in population databases (rs776260543, gnomAD 0.02%). This premature translational stop signal has been observed in individual(s) with fundus albipunctatus (PMID: 21447491). ClinVar contains an entry for this variant (Variation ID: 1074473). For these reasons, this variant has been classified as Pathogenic.

Blueprint Genetics
Classification: Pathogenic for RLBP1-related disorders. Last evaluated: 2023-06-28. Review status: criteria provided, single submitter. Criteria: ACMG Guidelines, 2015. Collection method: clinical testing. Allele origin: germline. Affected: yes. Observed: 4 variant alleles.

Literature cited by the submitters: PubMed 2392416 (cited by Labcorp Genetics (formerly Invitae), Labcorp); PubMed 11301032 (cited by Labcorp Genetics (formerly Invitae), Labcorp); PubMed 21447491 (cited by Labcorp Genetics (formerly Invitae), Labcorp); PubMed 25429852 (cited by Labcorp Genetics (formerly Invitae), Labcorp).

NM_000326.5(RLBP1):c.466C>T (p.Arg156Ter)

Gene: RLBP1 (retinaldehyde binding protein 1; minus strand). Cytogenetic location: 15q26.1.
Variant type: single nucleotide variant.
Coding change: c.466C>T on transcript NM_000326.5 (MANE Select); coding-DNA position 466, C replaced by T.
Protein change: p.Arg156Ter; replaces arginine 156 with a stop codon.
Molecular consequence: nonsense.
Genome position (GRCh38, 1-based): chr15:89,215,119, G>A on the plus strand (C>T on the coding strand, the complement: RLBP1 is on the minus strand). VCF-style: chr15-89215119-G-A. GRCh37 (hg19) VCF-style: chr15-89758350-G-A.
Other names: short protein forms R156*.
Identifiers: ClinVar variation 1074473 (VCV001074473.11), dbSNP rs776260543, ClinGen allele CA7722278.
Genomic context (GRCh38, chr15:89,215,119, plus strand): 5'-CCTCATCAAAGGTGATTTCTTGACTTTGCCAGTTCTCAATGTTGAAGAGCATGACCACTC[G>A]GCCATACTTGTCCCGACTAGAGAGGACACCAGGGTAGCCAGCTTCAATGGTGCAGCGGAC-3'